The following is an entry in ClinVar:

ClinVar aggregate classification (germline): Uncertain significance (1 of 4 stars; one submission).

Conditions:
Hereditary cancer-predisposing syndrome. Also called: Neoplastic Syndromes, Hereditary; Tumor predisposition; Hereditary Cancer Syndrome; Hereditary neoplastic syndrome. Identifiers: Orphanet 140162, MedGen C0027672, MeSH D009386, MONDO:0015356.

Submission:

Ambry Genetics
Classification: Uncertain significance for Hereditary cancer-predisposing syndrome. Last evaluated: 2016-09-08. Review status: criteria provided, single submitter. Criteria: Ambry Variant Classification Scheme 2023. Collection method: clinical testing. Allele origin: germline.
Comment: The p.A237S variant (also known as c.709G>T), located in coding exon 5 of the CHEK2 gene, results from a G to T substitution at nucleotide position 709. The alanine at codon 237 is replaced by serine, an amino acid with similar properties. This variant was not reported in population based cohorts in the following databases: Database of Single Nucleotide Polymorphisms (dbSNP), NHLBI Exome Sequencing Project (ESP), and 1000 Genomes Project. In the ESP, this variant was not observed in 6502 samples (13004 alleles) with coverage at this position. To date, this alteration has been detected with an allele frequency of approximately 0.001% (greater than 200000 alleles tested) in our clinical cohort. This amino acid position is highly conserved in available vertebrate species. In addition, the in silico prediction for this alteration is inconclusive. Since supporting evidence is limited at this time, the clinical significance of this alteration remains unclear.

NM_007194.4(CHEK2):c.709G>T (p.Ala237Ser)

Gene: CHEK2 (checkpoint kinase 2; minus strand). Cytogenetic location: 22q12.1.
Variant type: single nucleotide variant.
Coding change: c.709G>T on transcript NM_007194.4 (MANE Select); coding-DNA position 709, G replaced by T.
Protein change: p.Ala237Ser; replaces alanine 237 with serine.
Molecular consequence: missense variant.
Genome position (GRCh38, 1-based): chr22:28,711,992, C>A on the plus strand (G>T on the coding strand, the complement: CHEK2 is on the minus strand). VCF-style: chr22-28711992-C-A. GRCh37 (hg19) VCF-style: chr22-29107980-C-A.
Other names: c.838G>T, p.Ala280Ser (NM_001005735.3); c.46G>T, p.Ala16Ser (NM_001257387.3); c.508G>T, p.Ala170Ser (NM_001349956.3); c.709G>T, p.Ala237Ser (NM_145862.3); short protein forms A237S, A16S, A170S, A280S.
Identifiers: ClinVar variation 481727 (VCV000481727.5), dbSNP rs1179425981, ClinGen allele CA411103418.